The following is an entry in ClinVar:

NM_007294.4(BRCA1):c.1563A>G (p.Ala521=)

Gene: BRCA1 (BRCA1 DNA repair associated; minus strand). Cytogenetic location: 17q21.31.
Variant type: single nucleotide variant.
Coding change: c.1563A>G on transcript NM_007294.4 (MANE Select); coding-DNA position 1563, A replaced by G.
Protein change: p.Ala521=; no amino-acid change (alanine 521 retained).
Molecular consequence: synonymous variant. On other transcripts: intron variant (137).
Genome position (GRCh38, 1-based): chr17:43,093,968, T>C on the plus strand (A>G on the coding strand, the complement: BRCA1 is on the minus strand). VCF-style: chr17-43093968-T-C. GRCh37 (hg19) VCF-style: chr17-41245985-T-C.
Other names: c.1350A>G, p.Ala450= (NM_001407915.1, NM_001407916.1, NM_001407917.1 and 9 more transcripts); c.1440A>G, p.Ala480= (NM_001407919.1, NM_001407937.1, NM_001407938.1 and 19 more transcripts); c.1299A>G, p.Ala433= (NM_001407920.1, NM_001407921.1, NM_001407922.1 and 9 more transcripts); c.1296A>G, p.Ala432= (NM_001407930.1, NM_001407931.1, NM_001407932.1 and 2 more transcripts); c.1437A>G, p.Ala479= (NM_001407940.1, NM_001407941.1, NM_001407649.1 and 11 more transcripts); c.1422A>G, p.Ala474= (NM_001407942.1, NM_001407944.1, NM_001407945.1 and 29 more transcripts); c.1419A>G, p.Ala473= (NM_001407943.1, NM_001407964.1, NM_001407740.1 and 20 more transcripts); c.1230A>G, p.Ala410= (NM_001407946.1, NM_001407947.1, NM_001407948.1 and 6 more transcripts); and 40 more.
Identifiers: ClinVar variation 427318 (VCV000427318.18), dbSNP rs754970915, ClinGen allele CA057348.

ClinVar aggregate classification (germline): Likely benign. Review status: reviewed by expert panel (3 of 4 stars). 5 submissions from 5 submitters: Likely benign (1). 4 of the submissions do not count toward it. Last evaluated 2017-06-29.

Conditions:
Hereditary breast ovarian cancer syndrome. Also called: Hereditary breast and ovarian cancer syndrome (HBOC); BRCA1- and BRCA2-Associated Hereditary Breast and Ovarian Cancer; Hereditary breast and/or ovarian cancer syndrome; Hereditary breast and ovarian cancer syndrome; Hereditary breast and ovarian cancer; Breast and ovarian cancer. Identifiers: Orphanet 145, MedGen C0677776, MeSH D061325, MONDO:0003582. Disease mechanism: loss of function.
Hereditary cancer-predisposing syndrome. Also called: Neoplastic Syndromes, Hereditary; Hereditary neoplastic syndrome; Tumor predisposition; Hereditary Cancer Syndrome. Identifiers: Orphanet 140162, MedGen C0027672, MeSH D009386, MONDO:0015356.
Breast-ovarian cancer, familial, susceptibility to, 1 (BROVCA1). Also called: BRCA1 Hereditary Breast and Ovarian Cancer; OVARIAN CANCER, SUSCEPTIBILITY TO. Identifiers: Orphanet 145, MedGen C2676676, MONDO:0011450, OMIM 604370. Disease mechanism: loss of function.

Allele frequency attached by ClinVar (database versions not stated): ExAC 0.00001; gnomAD exomes 0.00001 and 0.00002.
gnomAD v4.1: 5 of 1,613,746 alleles (0.00031%); highest among the groups gnomAD compares: South Asian, 0.0055%; no homozygotes.

Submissions (5):

Evidence-based Network for the Interpretation of Germline Mutant Alleles (ENIGMA)
Classification: Likely benign for Breast-ovarian cancer, familial, susceptibility to, 1. Last evaluated: 2017-06-29. Review status: reviewed by expert panel. Criteria: ENIGMA BRCA1/2 Classification Criteria (2017-06-29). Collection method: curation. Allele origin: germline.
Comment: Synonymous substitution variant, with low bioinformatic likelihood to result in a splicing aberration (Splicing prior probability 0.02).

Color Diagnostics, LLC DBA Color Health
Classification: Likely benign for Hereditary cancer-predisposing syndrome. Last evaluated: 2025-05-30. Review status: criteria provided, single submitter. Criteria: ACMG Guidelines, 2015. Collection method: clinical testing. Allele origin: germline. Not counted in ClinVar's aggregate classification.

Labcorp Genetics (formerly Invitae), Labcorp
Classification: Likely benign for Hereditary breast ovarian cancer syndrome. Last evaluated: 2021-06-02. Review status: criteria provided, single submitter. Criteria: Invitae Variant Classification Sherloc (09022015). Collection method: clinical testing. Allele origin: germline. Not counted in ClinVar's aggregate classification.

Quest Diagnostics Nichols Institute San Juan Capistrano
Classification: Likely benign. Last evaluated: 2019-12-22. Review status: criteria provided, single submitter. Criteria: Quest Diagnostics criteria. Collection method: clinical testing. Allele origin: unknown. Not counted in ClinVar's aggregate classification.

Ambry Genetics
Classification: Likely benign for Hereditary cancer-predisposing syndrome. Last evaluated: 2017-04-27. Review status: criteria provided, single submitter. Criteria: Ambry Variant Classification Scheme 2023. Collection method: clinical testing. Allele origin: germline. Not counted in ClinVar's aggregate classification.

Literature cited by the submitters: PubMed 27208206 (cited by Quest Diagnostics Nichols Institute San Juan Capistrano).